The following is an entry in ClinVar:

NM_005559.4(LAMA1):c.5048A>G (p.Glu1683Gly)

Gene: LAMA1 (laminin subunit alpha 1; minus strand). Cytogenetic location: 18p11.31.
Variant type: single nucleotide variant.
Coding change: c.5048A>G on transcript NM_005559.4 (MANE Select); coding-DNA position 5048, A replaced by G.
Protein change: p.Glu1683Gly; replaces glutamic acid 1683 with glycine.
Molecular consequence: missense variant.
Genome position (GRCh38, 1-based): chr18:6,992,681, T>C on the plus strand (A>G on the coding strand, the complement: LAMA1 is on the minus strand). VCF-style: chr18-6992681-T-C. GRCh37 (hg19) VCF-style: chr18-6992680-T-C.
Other names: short protein forms E1683G.
Identifiers: ClinVar variation 1052113 (VCV001052113.9), dbSNP rs577205301, ClinGen allele CA8881711.

ClinVar aggregate classification (germline): Uncertain significance (1 of 4 stars; one submission).

Allele frequency attached by ClinVar (database versions not stated): gnomAD 0.00002 and 0.00004; TOPMed 0.00002; gnomAD exomes 0.00004 and 0.00005; ExAC 0.00005.
gnomAD v4.1: 81 of 1,613,580 alleles (0.005%); highest among the groups gnomAD compares: Middle Eastern, 0.017%; no homozygotes.

Submission:

Labcorp Genetics (formerly Invitae), Labcorp
Classification: Uncertain significance. Last evaluated: 2026-01-19. Review status: criteria provided, single submitter. Criteria: Invitae Variant Classification Sherloc (09022015). Collection method: clinical testing. Allele origin: germline.
Comment: This sequence change replaces glutamic acid, which is acidic and polar, with glycine, which is neutral and non-polar, at codon 1683 of the LAMA1 protein (p.Glu1683Gly). This variant is present in population databases (rs577205301, gnomAD 0.009%). This variant has not been reported in the literature in individuals affected with LAMA1-related conditions. ClinVar contains an entry for this variant (Variation ID: 1052113). Invitae Evidence Modeling of protein sequence and biophysical properties (such as structural, functional, and spatial information, amino acid conservation, physicochemical variation, residue mobility, and thermodynamic stability) indicates that this missense variant is not expected to disrupt LAMA1 protein function with a negative predictive value of 80%. In summary, the available evidence is currently insufficient to determine the role of this variant in disease. Therefore, it has been classified as a Variant of Uncertain Significance.